The following is an entry in ClinVar:

NC_000005.9:g.(?_7870908)_(7900171_?)del

Gene: MTRR (5-methyltetrahydrofolate-homocysteine methyltransferase reductase; plus strand). Cytogenetic location: 5p15.31.
Variant type: Deletion.
Identifiers: ClinVar variation 1458061 (VCV001458061.6).

ClinVar aggregate classification (germline): Pathogenic (1 of 4 stars; one submission).

Conditions:
Methylcobalamin deficiency type cblE (HMAE). Also called: HOMOCYSTINURIA-MEGALOBLASTIC ANEMIA, cblE COMPLEMENTATION TYPE; VITAMIN B12-RESPONSIVE HOMOCYSTINURIA, cblE TYPE; HOMOCYSTINURIA-MEGALOBLASTIC ANEMIA, cblE TYPE. Identifiers: Orphanet 2169, Orphanet 622, MedGen C1856057, MONDO:0009354, OMIM 236270.

Submission:

Labcorp Genetics (formerly Invitae), Labcorp
Classification: Pathogenic for Methylcobalamin deficiency type cblE. Last evaluated: 2023-12-11. Review status: criteria provided, single submitter. Criteria: Invitae Variant Classification Sherloc (09022015). Collection method: clinical testing. Allele origin: germline.
Comment: A gross deletion of the genomic region encompassing the full coding sequence of the MTRR gene has been identified. Loss-of-function variants in MTRR are known to be pathogenic (PMID: 15714522). The boundaries of this event are unknown as they extend beyond the assayed region for this gene and therefore may encompass additional genes. This variant has not been reported in the literature in individuals affected with MTRR-related conditions. For these reasons, this variant has been classified as Pathogenic.

Literature cited by the submitters: PubMed 15714522.